The following is an entry in ClinVar:

ClinVar aggregate classification (germline): Pathogenic. Review status: criteria provided, multiple submitters, no conflicts (2 of 4 stars). 3 submissions from 3 submitters: Pathogenic (3). Last evaluated 2011-08-12.

Submissions (3):

ISCA site 14
Classification: Pathogenic. Last evaluated: 2011-08-12. Review status: criteria provided, single submitter. Criteria: Kaminsky et al. (Genet Med. 2011). Collection method: clinical testing. Allele origin: unknown. Affected: yes. Observed: 1 variant allele.
Comment: Copy number variation identified through the course of routine clinical cytogenomic testing in postnatal populations. Clinical assertions have been curated as described in Kaminsky et al. 2011.

ISCA site 17
Classification: Pathogenic. Last evaluated: 2011-08-12. Review status: criteria provided, single submitter. Criteria: Kaminsky et al. (Genet Med. 2011). Collection method: clinical testing. Allele origin: unknown. Affected: yes. Observed: 5 variant alleles. Clinical features observed: Developmental delay AND/OR other significant developmental or morphological phenotypes, Global developmental delay (HP:0001263).
Comment: the same text as in the submission from ISCA site 14 above.

ISCA site 4
Classification: Pathogenic. Last evaluated: 2011-08-12. Review status: criteria provided, single submitter. Criteria: Kaminsky et al. (Genet Med. 2011). Collection method: clinical testing. Allele origin: unknown. Affected: yes. Observed: 5 variant alleles. Clinical features observed: Abnormality of cardiac morphology (HP:0001627), Abnormality of the kidney (HP:0000077), Intellectual disability (HP:0001249), Cleft palate (HP:0000175), Hypospadias (HP:0000047), Cleft upper lip (HP:0000204), Ventricular septal defect (HP:0001629), Developmental delay AND/OR other significant developmental or morphological phenotypes, Secundum atrial septal defect (HP:0001684), Delayed speech and language development (HP:0002116), Short stature (HP:0004322).
Comment: the same text as in the submission from ISCA site 14 above.

GRCh38/hg38 22q11.21(chr22:18339130-21151128)x1

Genes: AIFM3 (AIF family member 3; plus strand), ARVCF (ARVCF delta catenin family member; minus strand), C22orf39 (chromosome 22 open reading frame 39; minus strand), CCDC188 (coiled-coil domain containing 188; minus strand), CDC45 (cell division cycle 45; plus strand) and 185 more. Cytogenetic location: 22q11.21.
Variant type: copy number loss.
Change: copy number 1 (one copy instead of two) of chr22:18,339,130-21,151,128 (2.81 Mb, GRCh38 coordinates, 1-based), cytogenetic band 22q11.21.
Identifiers: ClinVar variation 160849 (VCV000160849.1).